The following is an entry in ClinVar:

NM_020549.5(CHAT):c.1850_1851del (p.Gly617fs)

Gene: CHAT (choline O-acetyltransferase; plus strand). Cytogenetic location: 10q11.23.
Variant type: Deletion.
Coding change: c.1850_1851del on transcript NM_020549.5 (MANE Select); coding-DNA positions 1850 to 1851, 2 bases deleted (GG; older notation c.1850_1851delGG).
Protein change: p.Gly617fs; shifts the reading frame from glycine 617.
Molecular consequence: frameshift variant.
Genome position (GRCh38, 1-based): chr10:49,662,655-49,662,656, GG deleted; deleting any 2 consecutive bases within chr10:49,662,654-49,662,656 gives the same sequence; the c. name uses the placement nearest the transcript's 3' end. VCF-style (leftmost placement, unchanged base first): chr10-49662653-AGG-A. GRCh37 (hg19) VCF-style: chr10-50870699-AGG-A.
Other names: c.1496_1497del, p.Gly499fs (NM_001142929.2, NM_001142934.2, NM_020984.4 and 2 more transcripts); c.1604_1605del, p.Gly535fs (NM_001142933.2); short protein forms G535fs, G499fs, G617fs.
Identifiers: ClinVar variation 2198081 (VCV002198081.6), dbSNP rs1207652491, ClinGen allele CA666039619.

ClinVar aggregate classification (germline): Pathogenic/Likely pathogenic. Review status: criteria provided, multiple submitters, no conflicts (2 of 4 stars). 2 submissions from 2 submitters: Pathogenic (1); Likely pathogenic (1). Last evaluated 2024-01-28.

Conditions:
Familial infantile myasthenia (CMS6). Also called: Congenital myasthenic syndrome type 6; MYASTHENIC SYNDROME, CONGENITAL, 6, PRESYNAPTIC; MYASTHENIC SYNDROME, PRESYNAPTIC, CONGENITAL, ASSOCIATED WITH EPISODIC APNEA. Identifiers: Orphanet 590, MedGen C0393929, MONDO:0009689, OMIM 254210.

Submissions (2):

Labcorp Genetics (formerly Invitae), Labcorp
Classification: Pathogenic for Familial infantile myasthenia. Last evaluated: 2024-01-28. Review status: criteria provided, single submitter. Criteria: Invitae Variant Classification Sherloc (09022015). Collection method: clinical testing. Allele origin: germline.
Comment: This sequence change creates a premature translational stop signal (p.Gly617Aspfs*4) in the CHAT gene. It is expected to result in an absent or disrupted protein product. Loss-of-function variants in CHAT are known to be pathogenic (PMID: 12548525, 21786365, 23292760). This variant is not present in population databases (gnomAD no frequency). This variant has not been reported in the literature in individuals affected with CHAT-related conditions. ClinVar contains an entry for this variant (Variation ID: 2198081). For these reasons, this variant has been classified as Pathogenic.

Baylor Genetics
Classification: Likely pathogenic for Familial infantile myasthenia. Last evaluated: 2023-12-17. Review status: criteria provided, single submitter. Criteria: ACMG Guidelines, 2015. Collection method: clinical testing. Allele origin: unknown.

Literature cited by the submitters: PubMed 12548525 (cited by Labcorp Genetics (formerly Invitae), Labcorp); PubMed 21786365 (cited by Labcorp Genetics (formerly Invitae), Labcorp); PubMed 23292760 (cited by Labcorp Genetics (formerly Invitae), Labcorp).